The following is an entry in ClinVar:

ClinVar aggregate classification (germline): Uncertain significance (1 of 4 stars; one submission).

Conditions:
HOXD13-related disorder. Also called: HOXD13-related condition; HOXD13-related disorders.

Submission:

PreventionGenetics, part of Exact Sciences
Classification: Uncertain significance for HOXD13-related condition. Last evaluated: 2026-07-01. Review status: criteria provided, single submitter. Criteria: ACMG Guidelines, 2015. Collection method: clinical testing. Allele origin: germline.
Comment: The HOXD13 c.192_209dup18 variant is predicted to result in an in-frame duplication (p.Ala66_Ala71dup). To our knowledge, this variant has not been reported in the literature or in a large population database (gnomAD), indicating this variant is rare. The smallest reported duplication in the literature that has been confirmed as pathogenic is seven alanine repeats (Wajid et al. 2009. PubMed ID: 19686284; Gong et al. 2010. PubMed ID: 20974300; Gottschalk et al. 2023. PubMed ID: 37427568). Although we suspect this variant may be pathogenic, at this time, the clinical significance of this variant is uncertain due to the absence of conclusive functional and genetic evidence.

NM_000523.4(HOXD13):c.192_209dup (p.Ala71_Ser72insAlaAlaAlaAlaAlaAla)

Gene: HOXD13 (homeobox D13; plus strand). Cytogenetic location: 2q31.1.
Variant type: Duplication.
Coding change: c.192_209dup on transcript NM_000523.4 (MANE Select); coding-DNA positions 192 to 209, 18 bases duplicated (TGCGGCGGCGGCGGCGGC).
Protein change: p.Ala71_Ser72insAlaAlaAlaAlaAlaAla.
Molecular consequence: inframe insertion.
Genome position (GRCh38, 1-based): chr2:176,093,082-176,093,099, TGCGGCGGCGGCGGCGGC duplicated; duplicating any 18 consecutive bases within chr2:176,093,074-176,093,099 gives the same sequence; the c. name uses the placement nearest the transcript's 3' end. VCF-style (leftmost placement, unchanged base first): chr2-176093073-A-AGCGGCGGCTGCGGCGGCG. GRCh37 (hg19) VCF-style: chr2-176957801-A-AGCGGCGGCTGCGGCGGCG.
Identifiers: ClinVar variation 4991283 (VCV004991283.1).